The following is an entry in ClinVar:

ClinVar aggregate classification (germline): Uncertain significance. Review status: criteria provided, multiple submitters, no conflicts (2 of 4 stars). 2 submissions from 2 submitters: Uncertain significance (2). Last evaluated 2026-07-16.

Conditions:
Hereditary cancer-predisposing syndrome. Also called: Neoplastic Syndromes, Hereditary; Hereditary Cancer Syndrome; Hereditary neoplastic syndrome; Tumor predisposition. Identifiers: Orphanet 140162, MedGen C0027672, MeSH D009386, MONDO:0015356.
Juvenile polyposis syndrome (JPS). Identifiers: Orphanet 2929, MedGen C0345893, MONDO:0017380, OMIM 174900.

Allele frequency attached by ClinVar (database versions not stated): gnomAD exomes below 0.00001.
gnomAD v4.1: 1 of 1,614,034 alleles (0.000062%); highest among the groups gnomAD compares: South Asian, 0.0011%; no homozygotes.

Submissions (2):

Ambry Genetics
Classification: Uncertain significance for Hereditary cancer-predisposing syndrome. Last evaluated: 2026-07-16. Review status: criteria provided, single submitter. Criteria: Ambry Variant Classification Scheme 2023. Collection method: clinical testing. Allele origin: germline.
Comment: The p.G65E variant (also known as c.194G>A), located in coding exon 2 of the BMPR1A gene, results from a G to A substitution at nucleotide position 194. The glycine at codon 65 is replaced by glutamic acid, an amino acid with similar properties. This amino acid position is conserved. In addition, this alteration is predicted to be deleterious by in silico analysis. Based on the available evidence, the clinical significance of this variant remains unclear.

Labcorp Genetics (formerly Invitae), Labcorp
Classification: Uncertain significance for Juvenile polyposis syndrome. Last evaluated: 2018-11-15. Review status: criteria provided, single submitter. Criteria: Invitae Variant Classification Sherloc (09022015). Collection method: clinical testing. Allele origin: germline.
Comment: In summary, the available evidence is currently insufficient to determine the role of this variant in disease. Therefore, it has been classified as a Variant of Uncertain Significance. Algorithms developed to predict the effect of missense changes on protein structure and function (SIFT, PolyPhen-2, Align-GVGD) all suggest that this variant is likely to be disruptive, but these predictions have not been confirmed by published functional studies and their clinical significance is uncertain. This variant has not been reported in the literature in individuals with BMPR1A-related disease. This variant is not present in population databases (ExAC no frequency). This sequence change replaces glycine with glutamic acid at codon 65 of the BMPR1A protein (p.Gly65Glu). The glycine residue is highly conserved and there is a moderate physicochemical difference between glycine and glutamic acid.

NM_004329.3(BMPR1A):c.194G>A (p.Gly65Glu)

Gene: BMPR1A (bone morphogenetic protein receptor type 1A; plus strand). Cytogenetic location: 10q23.2.
Variant type: single nucleotide variant.
Coding change: c.194G>A on transcript NM_004329.3 (MANE Select); coding-DNA position 194, G replaced by A.
Protein change: p.Gly65Glu; replaces glycine 65 with glutamic acid.
Molecular consequence: missense variant.
Genome position (GRCh38, 1-based): chr10:86,890,188, G>A. VCF-style: chr10-86890188-G-A. GRCh37 (hg19) VCF-style: chr10-88649945-G-A.
Other names: short protein forms G65E.
Identifiers: ClinVar variation 658006 (VCV000658006.13), dbSNP rs1589763441, ClinGen allele CA377447044.